The following is an entry in ClinVar:

ClinVar aggregate classification (germline): Uncertain significance (1 of 4 stars; one submission).

Submission:

Labcorp Genetics (formerly Invitae), Labcorp
Classification: Uncertain significance. Last evaluated: 2024-07-27. Review status: criteria provided, single submitter. Criteria: Invitae Variant Classification Sherloc (09022015). Collection method: clinical testing. Allele origin: germline.
Comment: This sequence change replaces lysine, which is basic and polar, with arginine, which is basic and polar, at codon 89 of the IRF2BP2 protein (p.Lys89Arg). This variant is not present in population databases (gnomAD no frequency). This variant has not been reported in the literature in individuals affected with IRF2BP2-related conditions. An algorithm developed to predict the effect of missense changes on protein structure and function (PolyPhen-2) suggests that this variant is likely to be disruptive. In summary, the available evidence is currently insufficient to determine the role of this variant in disease. Therefore, it has been classified as a Variant of Uncertain Significance.

NM_182972.3(IRF2BP2):c.266A>G (p.Lys89Arg)

Genes: IRF2BP2 (interferon regulatory factor 2 binding protein 2; minus strand), LOC129932812 (ATAC-STARR-seq lymphoblastoid silent region 1977; plus strand). Cytogenetic location: 1q42.3.
Variant type: single nucleotide variant.
Coding change: c.266A>G on transcript NM_182972.3 (MANE Select); coding-DNA position 266, A replaced by G.
Protein change: p.Lys89Arg; replaces lysine 89 with arginine.
Molecular consequence: missense variant.
Genome position (GRCh38, 1-based): chr1:234,609,229, T>C on the plus strand (A>G on the coding strand, the complement: IRF2BP2 is on the minus strand). VCF-style: chr1-234609229-T-C. GRCh37 (hg19) VCF-style: chr1-234744975-T-C.
Other names: c.266A>G, p.Lys89Arg (NM_001077397.1); short protein forms K89R.
Identifiers: ClinVar variation 3698991 (VCV003698991.2).